The following is an entry in ClinVar:

NM_001025616.3(ARHGAP24):c.217C>T (p.His73Tyr)

Gene: ARHGAP24 (Rho GTPase activating protein 24; plus strand). Cytogenetic location: 4q21.23.
Variant type: single nucleotide variant.
Coding change: c.217C>T on transcript NM_001025616.3 (MANE Select); coding-DNA position 217, C replaced by T.
Protein change: p.His73Tyr; replaces histidine 73 with tyrosine.
Molecular consequence: missense variant.
Genome position (GRCh38, 1-based): chr4:85,721,921, C>T. VCF-style: chr4-85721921-C-T. GRCh37 (hg19) VCF-style: chr4-86643074-C-T.
Other names: short protein forms H73Y.
Identifiers: ClinVar variation 3128666 (VCV003128666.2), dbSNP rs748396958, ClinGen allele CA2994357.

ClinVar aggregate classification (germline): Uncertain significance. Review status: criteria provided, multiple submitters, no conflicts (2 of 4 stars). 2 submissions from 2 submitters: Uncertain significance (2). Last evaluated 2025-09-18.

Allele frequency attached by ClinVar (database versions not stated): gnomAD exomes 0.00003; TOPMed 0.00003; ExAC 0.00007.
gnomAD v4.1: 48 of 1,613,534 alleles (0.003%); highest among the groups gnomAD compares: Admixed American, 0.013%; no homozygotes.

Submissions (2):

Labcorp Genetics (formerly Invitae), Labcorp
Classification: Uncertain significance. Last evaluated: 2025-09-18. Review status: criteria provided, single submitter. Criteria: Invitae Variant Classification Sherloc (09022015). Collection method: clinical testing. Allele origin: germline.
Comment: This sequence change replaces histidine, which is basic and polar, with tyrosine, which is neutral and polar, at codon 73 of the ARHGAP24 protein (p.His73Tyr). This variant is present in population databases (rs748396958, gnomAD 0.02%). This variant has not been reported in the literature in individuals affected with ARHGAP24-related conditions. ClinVar contains an entry for this variant (Variation ID: 3128666). An algorithm developed to predict the effect of missense changes on protein structure and function (PolyPhen-2) suggests that this variant is likely to be tolerated. In summary, the available evidence is currently insufficient to determine the role of this variant in disease. Therefore, it has been classified as a Variant of Uncertain Significance.

Ambry Genetics
Classification: Uncertain significance. Last evaluated: 2021-12-07. Review status: criteria provided, single submitter. Criteria: Ambry Variant Classification Scheme 2023. Collection method: clinical testing. Allele origin: germline.